The following is an entry in ClinVar:

ClinVar aggregate classification (germline): Likely pathogenic (1 of 4 stars; one submission).

Conditions:
Hereditary nonpolyposis colorectal neoplasms. Identifiers: MedGen C0009405, MeSH D003123.

Submission:

Labcorp Genetics (formerly Invitae), Labcorp
Classification: Likely pathogenic for Hereditary nonpolyposis colorectal neoplasms. Last evaluated: 2019-11-07. Review status: criteria provided, single submitter. Criteria: Invitae Variant Classification Sherloc (09022015). Collection method: clinical testing. Allele origin: germline.
Comment: In summary, the currently available evidence indicates that the variant is pathogenic, but additional data are needed to prove that conclusively. Therefore, this variant has been classified as Likely Pathogenic. This variant disrupts the p.Arg1242 amino acid residue in MSH6. Other variant(s) that disrupt this residue have been determined to be pathogenic (PMID: 24763289, 28514183, 10612827). This suggests that this residue is clinically significant, and that variants that disrupt this residue are likely to be disease-causing. This variant has not been reported in the literature in individuals with MSH6-related conditions. This variant is a gross deletion of the genomic region encompassing exons 7-10 of the MSH6 gene. The 5' boundary is likely confined to intron 6. The 3' end of this event is unknown as it extends through the termination codon beyond the assayed region for this gene and may encompass additional genes. While this deletion is not anticipated to result in nonsense mediated decay, it is expected to create a truncated protein product or disrupt mRNA translation.

Literature cited by the submitters: PubMed 24763289; PubMed 28514183; PubMed 10612827.

NC_000002.12:g.(?_47805433)_(47806875_?)del

Gene: MSH6 (mutS homolog 6; plus strand). Cytogenetic location: 2p16.3.
Variant type: Deletion.
Identifiers: ClinVar variation 830852 (VCV000830852.3).